The following is an entry in ClinVar:

NM_015915.5(ATL1):c.670G>A (p.Glu224Lys)

Gene: ATL1 (atlastin GTPase 1; plus strand). Cytogenetic location: 14q22.1.
Variant type: single nucleotide variant.
Coding change: c.670G>A on transcript NM_015915.5 (MANE Select); coding-DNA position 670, G replaced by A.
Protein change: p.Glu224Lys; replaces glutamic acid 224 with lysine.
Molecular consequence: missense variant.
Genome position (GRCh38, 1-based): chr14:50,613,298, G>A. VCF-style: chr14-50613298-G-A. GRCh37 (hg19) VCF-style: chr14-51080016-G-A.
Other names: c.670G>A, p.Glu224Lys (NM_001127713.1, NM_181598.4); short protein forms E224K.
Identifiers: ClinVar variation 1344240 (VCV001344240.4), dbSNP rs976793999, ClinGen allele CA260785743.

ClinVar aggregate classification (germline): Uncertain significance. Review status: criteria provided, multiple submitters, no conflicts (2 of 4 stars). 2 submissions from 2 submitters: Uncertain significance (2). Last evaluated 2025-04-17.

Conditions:
Hereditary spastic paraplegia 3A (SPG3A). Also called: Spastic Paraplegia 3A; Spastic paraplegia 3A, autosomal dominant; SPASTIC PARAPLEGIA 3, AUTOSOMAL DOMINANT; FAMILIAL SPASTIC PARAPLEGIA, AUTOSOMAL DOMINANT, 1; SPG3; STRUMPELL DISEASE. Identifiers: Orphanet 100984, MedGen C2931355, MONDO:0008437, OMIM 182600.
Hereditary spastic paraplegia. Also called: Familial spastic paraparesis. Identifiers: Orphanet 685, MedGen C0037773, MONDO:0019064. Disease mechanism: loss of function.

Allele frequency attached by ClinVar (database versions not stated): gnomAD exomes below 0.00001; gnomAD 0.00001.
gnomAD v4.1: 2 of 1,613,060 alleles (0.00012%); highest among the groups gnomAD compares: African/African-American, 0.0013%; no homozygotes.

Submissions (2):

Labcorp Genetics (formerly Invitae), Labcorp
Classification: Uncertain significance for Hereditary spastic paraplegia 3A. Last evaluated: 2025-04-17. Review status: criteria provided, single submitter. Criteria: Invitae Variant Classification Sherloc (09022015). Collection method: clinical testing. Allele origin: germline.
Comment: This sequence change replaces glutamic acid, which is acidic and polar, with lysine, which is basic and polar, at codon 224 of the ATL1 protein (p.Glu224Lys). This variant is not present in population databases (gnomAD no frequency). This variant has not been reported in the literature in individuals affected with ATL1-related conditions. ClinVar contains an entry for this variant (Variation ID: 1344240). Invitae Evidence Modeling of protein sequence and biophysical properties (such as structural, functional, and spatial information, amino acid conservation, physicochemical variation, residue mobility, and thermodynamic stability) has been performed for this missense variant. However, the output from this modeling did not meet the statistical confidence thresholds required to predict the impact of this variant on ATL1 protein function. In summary, the available evidence is currently insufficient to determine the role of this variant in disease. Therefore, it has been classified as a Variant of Uncertain Significance.

Genome Diagnostics Laboratory, The Hospital for Sick Children
Classification: Uncertain significance for Hereditary spastic paraplegia. Last evaluated: 2018-11-07. Review status: criteria provided, single submitter. Criteria: ACMG Guidelines, 2015. Collection method: clinical testing. Allele origin: germline. Affected: yes.